The following is an entry in ClinVar:

NM_030665.4(RAI1):c.2026G>C (p.Gly676Arg)

Gene: RAI1 (retinoic acid induced 1; plus strand). Cytogenetic location: 17p11.2.
Variant type: single nucleotide variant.
Coding change: c.2026G>C on transcript NM_030665.4 (MANE Select); coding-DNA position 2026, G replaced by C.
Protein change: p.Gly676Arg; replaces glycine 676 with arginine.
Molecular consequence: missense variant.
Genome position (GRCh38, 1-based): chr17:17,794,974, G>C. VCF-style: chr17-17794974-G-C. GRCh37 (hg19) VCF-style: chr17-17698288-G-C.
Other names: short protein forms G676R.
Identifiers: ClinVar variation 2186081 (VCV002186081.4), dbSNP rs751222476, ClinGen allele CA8418446.
Genomic context (GRCh38, chr17:17,794,974, plus strand): 5'-AGTGCGTGGCCCCGGCCTGGGGAGCCGGAGGCCCTGCCCGACTCCTTGCAGCTGGACAAG[G>C]GCGGCAATGCCAAGGACTTCAGCCCAGGGCTGTTTGAAGACCCTTCCGTGGCCTTCGCTA-3'
Protein context (NP_109590.3, residues 666-686): ALPDSLQLDK[Gly676Arg]GNAKDFSPGL

ClinVar aggregate classification (germline): Uncertain significance (1 of 4 stars; one submission).

Allele frequency attached by ClinVar (database versions not stated): ExAC 0.00002; gnomAD exomes 0.00003.
gnomAD v4.1: 17 of 1,613,950 alleles (0.0011%); highest among the groups gnomAD compares: South Asian, 0.019%; no homozygotes.

Submission:

Labcorp Genetics (formerly Invitae), Labcorp
Classification: Uncertain significance. Last evaluated: 2025-10-21. Review status: criteria provided, single submitter. Criteria: Invitae Variant Classification Sherloc (09022015). Collection method: clinical testing. Allele origin: germline.
Comment: This sequence change replaces glycine, which is neutral and non-polar, with arginine, which is basic and polar, at codon 676 of the RAI1 protein (p.Gly676Arg). This variant is present in population databases (rs751222476, gnomAD 0.02%). This variant has not been reported in the literature in individuals affected with RAI1-related conditions. ClinVar contains an entry for this variant (Variation ID: 2186081). Invitae Evidence Modeling of protein sequence and biophysical properties (such as structural, functional, and spatial information, amino acid conservation, physicochemical variation, residue mobility, and thermodynamic stability) indicates that this missense variant is not expected to disrupt RAI1 protein function with a negative predictive value of 80%. In summary, the available evidence is currently insufficient to determine the role of this variant in disease. Therefore, it has been classified as a Variant of Uncertain Significance.